The following is an entry in ClinVar:

ClinVar aggregate classification (germline): Uncertain significance (1 of 4 stars; one submission).

Allele frequency attached by ClinVar (database versions not stated): gnomAD exomes 0.00001.
gnomAD v4.1: 9 of 1,551,736 alleles (0.00058%); highest among the groups gnomAD compares: Non-Finnish European, 0.00078%; no homozygotes.

Submission:

Labcorp Genetics (formerly Invitae), Labcorp
Classification: Uncertain significance. Last evaluated: 2021-08-31. Review status: criteria provided, single submitter. Criteria: Invitae Variant Classification Sherloc (09022015). Collection method: clinical testing. Allele origin: germline.
Comment: This sequence change replaces valine with alanine at codon 2871 of the EYS protein (p.Val2871Ala). The valine residue is moderately conserved and there is a small physicochemical difference between valine and alanine. This variant is not present in population databases (ExAC no frequency). This variant has not been reported in the literature in individuals affected with EYS-related conditions. Algorithms developed to predict the effect of missense changes on protein structure and function are either unavailable or do not agree on the potential impact of this missense change (SIFT: "Deleterious"; PolyPhen-2: "Possibly Damaging"; Align-GVGD: "Class C0"). In summary, the available evidence is currently insufficient to determine the role of this variant in disease. Therefore, it has been classified as a Variant of Uncertain Significance.

NM_001142800.2(EYS):c.8612T>C (p.Val2871Ala)

Genes: EYS (eyes shut homolog; minus strand), PHF3 (PHD finger protein 3; plus strand). Cytogenetic location: 6q12.
Variant type: single nucleotide variant.
Coding change: c.8612T>C on transcript NM_001142800.2 (MANE Select); coding-DNA position 8612, T replaced by C.
Protein change: p.Val2871Ala; replaces valine 2871 with alanine.
Molecular consequence: missense variant. On other transcripts: 3 prime UTR variant (5).
Genome position (GRCh38, 1-based): chr6:63,721,419, A>G on the plus strand (T>C on the coding strand, the complement: EYS is on the minus strand). VCF-style: chr6-63721419-A-G. GRCh37 (hg19) VCF-style: chr6-64431315-A-G.
Other names: c.*7711A>G (NM_001290259.2, NM_001370348.2, NM_001370349.2 and 2 more transcripts); c.8675T>C, p.Val2892Ala (NM_001292009.2); short protein forms V2871A, V2892A.
Identifiers: ClinVar variation 1409965 (VCV001409965.5), dbSNP rs1405484792, ClinGen allele CA364384371.
Genomic context (GRCh38, chr6:63,721,419, plus strand): 5'-GTACATTCACCTCCATTTCTGCATGTGTTGTACCCACAGGCTGTCCCATCACAGTCACCT[A>G]CATTTGAGCCACCTTTTGCTCCAAATTCAGTTAATTGTAATTCTTGATTATTTATGATAA-3'
Protein context (NP_001136272.1, residues 2861-2881): TEFGAKGGSN[Val2871Ala]GDCDGTACGY